The following is an entry in ClinVar:

NM_138713.4(NFAT5):c.2179A>G (p.Thr727Ala)

Gene: NFAT5 (nuclear factor of activated T cells 5; plus strand). Cytogenetic location: 16q22.1.
Variant type: single nucleotide variant.
Coding change: c.2179A>G on transcript NM_138713.4 (MANE Select); coding-DNA position 2179, A replaced by G.
Protein change: p.Thr727Ala; replaces threonine 727 with alanine.
Molecular consequence: missense variant.
Genome position (GRCh38, 1-based): chr16:69,692,004, A>G. VCF-style: chr16-69692004-A-G. GRCh37 (hg19) VCF-style: chr16-69725907-A-G.
Other names: c.1897A>G (NM_138714.3); c.2176A>G, p.Thr726Ala (NM_001113178.3); c.1504A>G, p.Thr502Ala (NM_001367709.1); c.2125A>G, p.Thr709Ala (NM_006599.4); c.1897A>G, p.Thr633Ala (NM_138714.4, NM_173214.3, NM_173215.3); short protein forms T709A, T502A, T726A, T727A, T633A.
Identifiers: ClinVar variation 2069020 (VCV002069020.5), dbSNP rs756590842, ClinGen allele CA8135728.

ClinVar aggregate classification (germline): Uncertain significance. Review status: criteria provided, multiple submitters, no conflicts (2 of 4 stars). 2 submissions from 2 submitters: Uncertain significance (2). Last evaluated 2022-11-21.

Conditions:
Immunodeficiency. Identifiers: MedGen C0021051, MONDO:0021094, HP:0002721.
NFAT5-related disorder. Also called: NFAT5-related condition.

Allele frequency attached by ClinVar (database versions not stated): ExAC 0.00001; gnomAD exomes 0.00001.
gnomAD v4.1: 3 of 1,614,200 alleles (0.00019%); highest among the groups gnomAD compares: Admixed American, 0.0017%; no homozygotes.

Submissions (2):

PreventionGenetics, part of Exact Sciences
Classification: Uncertain significance for NFAT5-related condition. Last evaluated: 2022-11-21. Review status: criteria provided, single submitter. Criteria: ACMG Guidelines, 2015. Collection method: clinical testing. Allele origin: germline.
Comment: The NFAT5 c.1897A>G variant is predicted to result in the amino acid substitution p.Thr633Ala. To our knowledge, this variant has not been reported in the literature. This variant is reported in 0.0029% of alleles in individuals of Latino descent in gnomAD. At this time, the clinical significance of this variant is uncertain due to the absence of conclusive functional and genetic evidence.

Labcorp Genetics (formerly Invitae), Labcorp
Classification: Uncertain significance for Immunodeficiency. Last evaluated: 2022-03-02. Review status: criteria provided, single submitter. Criteria: Invitae Variant Classification Sherloc (09022015). Collection method: clinical testing. Allele origin: germline.
Comment: In summary, the available evidence is currently insufficient to determine the role of this variant in disease. Therefore, it has been classified as a Variant of Uncertain Significance. Algorithms developed to predict the effect of missense changes on protein structure and function output the following: SIFT: "Tolerated"; PolyPhen-2: "Benign"; Align-GVGD: "Class C0". The alanine amino acid residue is found in multiple mammalian species, which suggests that this missense change does not adversely affect protein function. This variant has not been reported in the literature in individuals affected with NFAT5-related conditions. This variant is present in population databases (rs756590842, gnomAD 0.003%). This sequence change replaces threonine, which is neutral and polar, with alanine, which is neutral and non-polar, at codon 633 of the NFAT5 protein (p.Thr633Ala).